The following is an entry in ClinVar:

NM_033364.4(CFAP91):c.686G>A (p.Arg229Gln)

Gene: CFAP91 (cilia and flagella associated protein 91; plus strand). Cytogenetic location: 3q13.33.
Variant type: single nucleotide variant.
Coding change: c.686G>A on transcript NM_033364.4 (MANE Select); coding-DNA position 686, G replaced by A.
Protein change: p.Arg229Gln; replaces arginine 229 with glutamine.
Molecular consequence: missense variant.
Genome position (GRCh38, 1-based): chr3:119,726,174, G>A. VCF-style: chr3-119726174-G-A. GRCh37 (hg19) VCF-style: chr3-119445021-G-A.
Other names: NC_000003.11:g.119445021G>A; c.626G>A, p.Arg209Gln (NM_001320316.2); c.500G>A, p.Arg167Gln (NM_001320317.2); c.308G>A, p.Arg103Gln (NM_001320318.2); short protein forms R167Q, R229Q, R103Q, R209Q.
Identifiers: ClinVar variation 4519492 (VCV004519492.7).

ClinVar aggregate classification (germline): Benign (1 of 4 stars; one submission).

gnomAD v4.1: 17,796 of 1,607,920 alleles (1.1%); highest among the groups gnomAD compares: Non-Finnish European, 1.4%; 128 homozygotes.

Submissions (8):

CeGaT Center for Human Genetics Tuebingen
Classification: Benign. Last evaluated: 2026-04-01. Review status: criteria provided, single submitter. Criteria: CeGaT Center For Human Genetics Tuebingen Variant Classification Criteria Version 2. Collection method: clinical testing. Allele origin: germline. Affected: yes. Observed: 2 variant alleles.
Comment: CFAP91: BP4, BS1, BS2

Dr. Peter K. Rogan Lab, Western University
No classification provided (evidence only). Condition: Thyroid cancer, nonmedullary, 1. Review status: no classification provided. Collection method: in vitro. Allele origin: not applicable. Functional consequence: skipped exon. Not counted in ClinVar's aggregate classification.

Dr. Peter K. Rogan Lab, Western University
No classification provided (evidence only). Condition: Uterine corpus endometrial carcinoma. Review status: no classification provided. Collection method: in vitro. Allele origin: not applicable. Functional consequence: retained intron. Not counted in ClinVar's aggregate classification.

Dr. Peter K. Rogan Lab, Western University
No classification provided (evidence only). Condition: Nonpapillary renal cell carcinoma. Review status: no classification provided. Collection method: in vitro. Allele origin: not applicable. Functional consequence: retained intron. Not counted in ClinVar's aggregate classification.

Dr. Peter K. Rogan Lab, Western University
No classification provided (evidence only). Condition: Nonpapillary renal cell carcinoma. Review status: no classification provided. Collection method: in vitro. Allele origin: not applicable. Functional consequence: retained intron. Not counted in ClinVar's aggregate classification.

Dr. Peter K. Rogan Lab, Western University
No classification provided (evidence only). Condition: Nonpapillary renal cell carcinoma. Review status: no classification provided. Collection method: in vitro. Allele origin: not applicable. Functional consequence: retained intron. Not counted in ClinVar's aggregate classification.

Dr. Peter K. Rogan Lab, Western University
No classification provided (evidence only). Condition: Thymoma. Review status: no classification provided. Collection method: in vitro. Allele origin: not applicable. Functional consequence: retained intron. Not counted in ClinVar's aggregate classification.

Dr. Peter K. Rogan Lab, Western University
No classification provided (evidence only). Condition: Ovarian serous cystadenocarcinoma. Review status: no classification provided. Collection method: in vitro. Allele origin: not applicable. Functional consequence: retained intron. Not counted in ClinVar's aggregate classification.